The following is an entry in ClinVar:

ClinVar aggregate classification (germline): Uncertain significance (1 of 4 stars; one submission).

Conditions:
Hereditary motor and sensory neuropathy, Okinawa type (HMSNO). Also called: HEREDITARY MOTOR AND SENSORY NEUROPATHY, PROXIMAL TYPE. Identifiers: Orphanet 90117, MedGen C1858338, MONDO:0011468, OMIM 604484.
Hereditary spastic paraplegia 57. Also called: Spastic paraplegia 57, autosomal recessive. Identifiers: Orphanet 431329, MedGen C3714897, MONDO:0014295, OMIM 615658.

Submission:

Labcorp Genetics (formerly Invitae), Labcorp
Classification: Uncertain significance for Hereditary motor and sensory neuropathy, Okinawa type; Hereditary spastic paraplegia 57. Last evaluated: 2018-12-05. Review status: criteria provided, single submitter. Criteria: Invitae Variant Classification Sherloc (09022015). Collection method: clinical testing. Allele origin: germline.
Comment: In summary, the available evidence is currently insufficient to determine the role of this variant in disease. Therefore, it has been classified as a Variant of Uncertain Significance. Algorithms developed to predict the effect of missense changes on protein structure and function (SIFT, PolyPhen-2, Align-GVGD) all suggest that this variant is likely to be tolerated, but these predictions have not been confirmed by published functional studies and their clinical significance is uncertain. This sequence change replaces alanine with threonine at codon 344 of the TFG protein (p.Ala344Thr). The alanine residue is moderately conserved and there is a small physicochemical difference between alanine and threonine. This variant is not present in population databases (ExAC no frequency). This variant has not been reported in the literature in individuals with TFG-related conditions.

NM_006070.6(TFG):c.1030G>A (p.Ala344Thr)

Gene: TFG (trafficking from ER to golgi regulator; plus strand). Cytogenetic location: 3q12.2.
Variant type: single nucleotide variant.
Coding change: c.1030G>A on transcript NM_006070.6 (MANE Select); coding-DNA position 1030, G replaced by A.
Protein change: p.Ala344Thr; replaces alanine 344 with threonine.
Molecular consequence: missense variant.
Genome position (GRCh38, 1-based): chr3:100,748,358, G>A. VCF-style: chr3-100748358-G-A. GRCh37 (hg19) VCF-style: chr3-100467202-G-A.
Other names: c.1030G>A, p.Ala344Thr (NM_001007565.2, NM_001195478.2); c.1018G>A, p.Ala340Thr (NM_001195479.2); short protein forms A340T, A344T.
Identifiers: ClinVar variation 647551 (VCV000647551.8), dbSNP rs1576389587, ClinGen allele CA353854261.